The following is an entry in ClinVar:

NM_173598.6(KSR2):c.422G>C (p.Cys141Ser)

Gene: KSR2 (kinase suppressor of ras 2; minus strand). Cytogenetic location: 12q24.23.
Variant type: single nucleotide variant.
Coding change: c.422G>C on transcript NM_173598.6 (MANE Select); coding-DNA position 422, G replaced by C.
Protein change: p.Cys141Ser; replaces cysteine 141 with serine.
Molecular consequence: missense variant.
Genome position (GRCh38, 1-based): chr12:117,855,478, C>G on the plus strand (G>C on the coding strand, the complement: KSR2 is on the minus strand). VCF-style: chr12-117855478-C-G. GRCh37 (hg19) VCF-style: chr12-118293283-C-G.
Other names: short protein forms C141S.
Identifiers: ClinVar variation 4977730 (VCV004977730.1).

ClinVar aggregate classification (germline): Uncertain significance (1 of 4 stars; one submission).

Conditions:
KSR2-related disorder. Also called: KSR2-related condition.

gnomAD v4.1: 1 of 1,614,030 alleles (0.000062%); highest among the groups gnomAD compares: Non-Finnish European, 0.000085%; no homozygotes.

Submission:

PreventionGenetics, part of Exact Sciences
Classification: Uncertain significance for KSR2-related condition. Last evaluated: 2024-12-26. Review status: criteria provided, single submitter. Criteria: ACMG Guidelines, 2015. Collection method: clinical testing. Allele origin: germline.
Comment: The KSR2 c.335G>C variant is predicted to result in the amino acid substitution p.Cys112Ser. To our knowledge, this variant has not been reported in the literature or in a large population database (gnomAD), indicating this variant is rare. At this time, the clinical significance of this variant is uncertain due to the absence of conclusive functional and genetic evidence.